The following is an entry in ClinVar:

ClinVar aggregate classification (germline): Uncertain significance. Review status: criteria provided, multiple submitters, no conflicts (2 of 4 stars). 2 submissions from 2 submitters: Uncertain significance (2). Last evaluated 2024-11-30.

Conditions:
Arrhythmogenic right ventricular dysplasia 13. Also called: Arrhythmogenic right ventricular dysplasia, familial, 13; ARRHYTHMOGENIC RIGHT VENTRICULAR CARDIOMYOPATHY 13. Identifiers: MedGen C3810138, MONDO:0000908, OMIM 615616.

Allele frequency attached by ClinVar (database versions not stated): gnomAD 0.00001; gnomAD exomes 0.00001; TOPMed 0.00001.
gnomAD v4.1: 10 of 1,613,766 alleles (0.00062%); highest among the groups gnomAD compares: Non-Finnish European, 0.00085%; no homozygotes.

Submissions (2):

Labcorp Genetics (formerly Invitae), Labcorp
Classification: Uncertain significance for Arrhythmogenic right ventricular dysplasia 13. Last evaluated: 2024-11-30. Review status: criteria provided, single submitter. Criteria: Invitae Variant Classification Sherloc (09022015). Collection method: clinical testing. Allele origin: germline.
Comment: This sequence change replaces alanine, which is neutral and non-polar, with proline, which is neutral and non-polar, at codon 130 of the CTNNA3 protein (p.Ala130Pro). This variant is present in population databases (no rsID available, gnomAD 0.0009%). This variant has not been reported in the literature in individuals affected with CTNNA3-related conditions. ClinVar contains an entry for this variant (Variation ID: 2845481). Invitae Evidence Modeling of protein sequence and biophysical properties (such as structural, functional, and spatial information, amino acid conservation, physicochemical variation, residue mobility, and thermodynamic stability) indicates that this missense variant is not expected to disrupt CTNNA3 protein function with a negative predictive value of 80%. In summary, the available evidence is currently insufficient to determine the role of this variant in disease. Therefore, it has been classified as a Variant of Uncertain Significance.

Blueprint Genetics
Classification: Uncertain significance. Last evaluated: 2024-10-10. Review status: criteria provided, single submitter. Criteria: ACMG Guidelines, 2015. Collection method: clinical testing. Allele origin: germline.

NM_013266.4(CTNNA3):c.388G>C (p.Ala130Pro)

Gene: CTNNA3 (catenin alpha 3; minus strand). Cytogenetic location: 10q21.3.
Variant type: single nucleotide variant.
Coding change: c.388G>C on transcript NM_013266.4 (MANE Select); coding-DNA position 388, G replaced by C.
Protein change: p.Ala130Pro; replaces alanine 130 with proline.
Molecular consequence: missense variant.
Genome position (GRCh38, 1-based): chr10:67,539,574, C>G on the plus strand (G>C on the coding strand, the complement: CTNNA3 is on the minus strand). VCF-style: chr10-67539574-C-G. GRCh37 (hg19) VCF-style: chr10-69299332-C-G.
Other names: c.388G>C, p.Ala130Pro (NM_001127384.3); c.424G>C, p.Ala142Pro (NM_001291133.2); short protein forms A130P, A142P.
Identifiers: ClinVar variation 2845481 (VCV002845481.4), dbSNP rs1430719057, ClinGen allele CA377097852.
Genomic context (GRCh38, chr10:67,539,574, plus strand): 5'-GTTGCAAGAGGCACATGACATCAATCATGTCCGCAAGGATAAGGAGTCTCGTCACCGCAG[C>G]CAGCAAGGCACGGGCAGCTTGAACCACAGCCTCCCTTTTTGGGAGAAAACAGGGGTCATC-3'
Protein context (NP_037398.2, residues 120-140): AVVQAARALL[Ala130Pro]AVTRLLILAD